The following is an entry in ClinVar:

NM_001040716.2(PC):c.2581G>A (p.Val861Met)

Gene: PC (pyruvate carboxylase; minus strand). Cytogenetic location: 11q13.2.
Variant type: single nucleotide variant.
Coding change: c.2581G>A on transcript NM_001040716.2 (MANE Select); coding-DNA position 2581, G replaced by A.
Protein change: p.Val861Met; replaces valine 861 with methionine.
Molecular consequence: missense variant.
Genome position (GRCh38, 1-based): chr11:66,850,357, C>T on the plus strand (G>A on the coding strand, the complement: PC is on the minus strand). VCF-style: chr11-66850357-C-T. GRCh37 (hg19) VCF-style: chr11-66617828-C-T.
Other names: c.2581G>A, p.Val861Met (NM_000920.4, NM_022172.3); short protein forms V861M.
Identifiers: ClinVar variation 3374862 (VCV003374862.1).
Genomic context (GRCh38, chr11:66,850,357, plus strand): 5'-TGCTGTGGGCCTGGAAGTGCAGGTTGGTGTACTGGCCCCCTGGGATCTCATTTTCATACA[C>T]GTCCGAGTTGCCAGACTTCATGGTGGCCGTGCAGTCGAAGGCCGCGTACAGTCCCCGAGC-3'
Protein context (NP_001035806.1, residues 851-871): TATMKSGNSD[Val861Met]YENEIPGGQY

ClinVar aggregate classification (germline): Uncertain significance (1 of 4 stars; one submission).

gnomAD v4.1: 12 of 1,614,142 alleles (0.00074%); highest among the groups gnomAD compares: Non-Finnish European, 0.001%; no homozygotes.

Submission:

Women's Health and Genetics/Laboratory Corporation of America, LabCorp
Classification: Uncertain significance. Last evaluated: 2024-09-12. Review status: criteria provided, single submitter. Criteria: LabCorp Variant Classification Summary - May 2015. Collection method: clinical testing. Allele origin: germline.
Comment: Variant summary: PC c.2581G>A (p.Val861Met) results in a conservative amino acid change located in the Carboxylase, conserved domain (IPR003379) of the encoded protein sequence. Four of five in-silico tools predict a damaging effect of the variant on protein function. The variant was absent in 251402 control chromosomes. The available data on variant occurrences in the general population are insufficient to allow any conclusion about variant significance. c.2581G>A has been reported in the literature in the compound heterozygous state in at least 1 individual affected with Pyruvate Carboxylase Deficiency (example, Sun_2023). These report(s) do not provide unequivocal conclusions about association of the variant with Pyruvate Carboxylase Deficiency. To our knowledge, no experimental evidence demonstrating an impact on protein function has been reported. The following publication has been ascertained in the context of this evaluation (PMID: 36508859). No submitters have cited clinical-significance assessments for this variant to ClinVar. Based on the evidence outlined above, the variant was classified as uncertain significance.

Literature cited by the submitters: PubMed 36508859.